The following is an entry in ClinVar:

NM_001042492.3(NF1):c.5539C>T (p.Pro1847Ser)

Gene: NF1 (neurofibromin 1; plus strand). Cytogenetic location: 17q11.2.
Variant type: single nucleotide variant.
Coding change: c.5539C>T on transcript NM_001042492.3 (MANE Select); coding-DNA position 5539, C replaced by T.
Protein change: p.Pro1847Ser; replaces proline 1847 with serine.
Molecular consequence: missense variant.
Genome position (GRCh38, 1-based): chr17:31,327,769, C>T. VCF-style: chr17-31327769-C-T. GRCh37 (hg19) VCF-style: chr17-29654787-C-T.
Other names: c.5476C>T, p.Pro1826Ser (NM_000267.4); short protein forms P1847S, P1826S.
Identifiers: ClinVar variation 1361746 (VCV001361746.12), dbSNP rs2069384394, ClinGen allele CA399009812.
Genomic context (GRCh38, chr17:31,327,769, plus strand): 5'-ATCCGGACCCGCTGGGAACTGTCACAGCCCGACTCTATCCCCCAACACACCAAGATTCGG[C>T]CAAAAGATGTCCCTGGGACACTGCTCAATATCGCATTACTTAATTTAGGCAGTTCTGACC-3'
Protein context (NP_001035957.1, residues 1837-1857): DSIPQHTKIR[Pro1847Ser]KDVPGTLLNI

ClinVar aggregate classification (germline): Uncertain significance. Review status: criteria provided, multiple submitters, no conflicts (2 of 4 stars). 3 submissions from 3 submitters: Uncertain significance (3). Last evaluated 2026-08-20.

Conditions:
Neurofibromatosis, type 1 (NF1). Also called: Peripheral type neurofibromatosis; Neurofibromatosis, type I; VON RECKLINGHAUSEN DISEASE; NEUROFIBROMATOSIS, TYPE I, SOMATIC. Identifiers: Orphanet 636, MedGen C0027831, MONDO:0018975, OMIM 162200. Disease mechanism: loss of function.
Cardiovascular phenotype. Identifiers: MedGen CN230736.
Hereditary cancer-predisposing syndrome. Also called: Neoplastic Syndromes, Hereditary; Hereditary Cancer Syndrome; Tumor predisposition; Hereditary neoplastic syndrome. Identifiers: Orphanet 140162, MedGen C0027672, MeSH D009386, MONDO:0015356.

Submissions (3):

GeneDx
Classification: Uncertain significance. Last evaluated: 2026-08-20. Review status: criteria provided, single submitter. Criteria: GeneDx Variant Classification Process June 2021. Collection method: clinical testing. Allele origin: germline.
Comment: Not observed at significant frequency in large population cohorts (gnomAD); In silico analysis supports that this missense variant has a deleterious effect on protein structure/function; Has not been previously published as pathogenic or benign to our knowledge

Labcorp Genetics (formerly Invitae), Labcorp
Classification: Uncertain significance for Neurofibromatosis, type 1. Last evaluated: 2025-05-27. Review status: criteria provided, single submitter. Criteria: Invitae Variant Classification Sherloc (09022015). Collection method: clinical testing. Allele origin: germline.
Comment: This sequence change replaces proline, which is neutral and non-polar, with serine, which is neutral and polar, at codon 1826 of the NF1 protein (p.Pro1826Ser). This variant is not present in population databases (gnomAD no frequency). This variant has not been reported in the literature in individuals affected with NF1-related conditions. ClinVar contains an entry for this variant (Variation ID: 1361746). Invitae Evidence Modeling of protein sequence and biophysical properties (such as structural, functional, and spatial information, amino acid conservation, physicochemical variation, residue mobility, and thermodynamic stability) indicates that this missense variant is expected to disrupt NF1 protein function with a positive predictive value of 95%. In summary, the available evidence is currently insufficient to determine the role of this variant in disease. Therefore, it has been classified as a Variant of Uncertain Significance.

Ambry Genetics
Classification: Uncertain significance for Cardiovascular phenotype; Hereditary cancer-predisposing syndrome. Last evaluated: 2020-07-01. Review status: criteria provided, single submitter. Criteria: Ambry Variant Classification Scheme 2023. Collection method: clinical testing. Allele origin: germline.
Comment: The p.P1826S variant (also known as c.5476C>T), located in coding exon 37 of the NF1 gene, results from a C to T substitution at nucleotide position 5476. The proline at codon 1826 is replaced by serine, an amino acid with similar properties. This amino acid position is highly conserved in available vertebrate species. In addition, this alteration is predicted to be deleterious by in silico analysis. Since supporting evidence is limited at this time, the clinical significance of this alteration remains unclear.